The following is an entry in ClinVar:

NM_017777.4(MKS1):c.675G>A (p.Leu225=)

Gene: MKS1 (MKS transition zone complex subunit 1; minus strand). Cytogenetic location: 17q22.
Variant type: single nucleotide variant.
Coding change: c.675G>A on transcript NM_017777.4 (MANE Select); coding-DNA position 675, G replaced by A.
Protein change: p.Leu225=; no amino-acid change (leucine 225 retained).
Molecular consequence: synonymous variant.
Genome position (GRCh38, 1-based): chr17:58,213,839, C>T on the plus strand (G>A on the coding strand, the complement: MKS1 is on the minus strand). VCF-style: chr17-58213839-C-T. GRCh37 (hg19) VCF-style: chr17-56291200-C-T.
Other names: c.66G>A, p.Leu22= (NM_001321268.2); c.675G>A, p.Leu225= (NM_001321269.2, NM_001330397.2); c.675G>A (NM_017777.3).
Identifiers: ClinVar variation 1100691 (VCV001100691.10), dbSNP rs1969025949, ClinGen allele CA501033592.
Genomic context (GRCh38, chr17:58,213,839, plus strand): 5'-GAGGCCCGTGAAGTCAGGCTTTACTGTGATCACACCATTGCTATCCACCTTCAGAGTACA[C>T]AGGACATGTTCATACTTCTTATAGCCAAGCCTAGAAATCAGGAAAACACCAAGGTTGAGG-3'
Protein context (NP_060247.2, residues 215-235): KLGYKKYEHV[Leu225=]CTLKVDSNGV

ClinVar aggregate classification (germline): Likely benign. Review status: criteria provided, multiple submitters, no conflicts (2 of 4 stars). 2 submissions from 2 submitters: Likely benign (2). Last evaluated 2025-05-02.

Conditions:
MKS1-related disorder. Also called: MKS1-related condition; MKS1-related disorders. Identifiers: MedGen CN239382.
Meckel-Gruber syndrome. Also called: DYSENCEPHALIA SPLANCHNOCYSTICA; Dysencephalia splachnocystica; GRUBER SYNDROME. Identifiers: Orphanet 564, MedGen C0265215, MONDO:0018921.
Joubert syndrome. Also called: Familial aplasia of the vermis; JOUBERT-BOLTSHAUSER SYNDROME. Identifiers: Orphanet 475, MedGen C5979921, MONDO:0018772.

Allele frequency attached by ClinVar (database versions not stated): gnomAD 0.00001; gnomAD exomes 0.00001; TOPMed 0.00001; 1000 Genomes Project 30x 0.00031.
gnomAD v4.1: 11 of 1,614,098 alleles (0.00068%); highest among the groups gnomAD compares: Non-Finnish European, 0.00085%; no homozygotes.

Submissions (2):

PreventionGenetics, part of Exact Sciences
Classification: Likely benign for MKS1-related condition. Last evaluated: 2025-05-02. Review status: criteria provided, single submitter. Criteria: ACMG Guidelines, 2015. Collection method: clinical testing. Allele origin: germline.
Comment: This variant is classified as likely benign based on ACMG/AMP sequence variant interpretation guidelines (Richards et al. 2015 PMID: 25741868, with internal and published modifications).

Labcorp Genetics (formerly Invitae), Labcorp
Classification: Likely benign for Joubert syndrome; Meckel-Gruber syndrome. Last evaluated: 2023-08-11. Review status: criteria provided, single submitter. Criteria: Invitae Variant Classification Sherloc (09022015). Collection method: clinical testing. Allele origin: germline.